The following is an entry in ClinVar:

ClinVar aggregate classification (germline): Pathogenic (1 of 4 stars; one submission).

Submission:

GeneDx
Classification: Pathogenic. Last evaluated: 2017-03-07. Review status: criteria provided, single submitter. Criteria: GeneDx Variant Classification (06012015). Collection method: clinical testing. Allele origin: germline. Affected: yes.
Comment: The c.9099delC variant in the KMT2D gene has not been reported previously as a pathogenic variant nor as a benign variant, to our knowledge. The c.9099delC variant causes a frameshift starting with codon Asparagine 3034, changes this amino acid to a Methionine residue, and creates a premature Stop codon at position 37 of the new reading frame, denoted p.Asn3034MetfsX37. This variant is predicted to cause loss of normal protein function either through protein truncation or nonsense-mediated mRNA decay. The c.9099delC variant is not observed in large population cohorts (Lek et al., 2016; 1000 Genomes Consortium et al., 2015; Exome Variant Server). We interpret c.9099delC as a pathogenic variant.

NM_003482.4(KMT2D):c.9099del (p.Asn3034fs)

Gene: KMT2D (lysine methyltransferase 2D; minus strand). Cytogenetic location: 12q13.12.
Variant type: Deletion.
Coding change: c.9099del on transcript NM_003482.4 (MANE Select); coding-DNA position 9099, one base deleted (C; older notation c.9099delC).
Protein change: p.Asn3034fs; shifts the reading frame from asparagine 3034.
Molecular consequence: frameshift variant.
Genome position (GRCh38, 1-based): chr12:49,038,257, G deleted on the plus strand (C on the coding strand, the reverse complement: KMT2D is on the minus strand); the first of 2 consecutive G bases (chr12:49,038,257-49,038,258); deleting either gives the same sequence. VCF-style (leftmost placement, unchanged base first): chr12-49038256-TG-T. GRCh37 (hg19) VCF-style: chr12-49432039-TG-T.
Other names: c.9099delC (NM_003482.3); short protein forms N3034fs.
Identifiers: ClinVar variation 424198 (VCV000424198.2), dbSNP rs1064796855, ClinGen allele CA16619537.